The following is an entry in ClinVar:

NM_024675.4(PALB2):c.212-33A>C

Gene: PALB2 (partner and localizer of BRCA2; minus strand). Cytogenetic location: 16p12.2.
Variant type: single nucleotide variant.
Coding change: c.212-33A>C on transcript NM_024675.4 (MANE Select); 33 bases into the intron before coding-DNA position 212, A replaced by C.
Molecular consequence: intron variant.
Genome position (GRCh38, 1-based): chr16:23,636,367, T>G on the plus strand (A>C on the coding strand, the complement: PALB2 is on the minus strand). VCF-style: chr16-23636367-T-G. GRCh37 (hg19) VCF-style: chr16-23647688-T-G.
Identifiers: ClinVar variation 126634 (VCV000126634.6), dbSNP rs515726079, ClinGen allele CA269519.

ClinVar aggregate classification (germline): Likely benign. Review status: reviewed by expert panel (3 of 4 stars). 2 submissions from 2 submitters: Likely benign (1). 1 of the submissions does not count toward it. Last evaluated 2023-06-15.

Conditions:
PALB2-related cancer predisposition. Identifiers: MedGen CN377761, MONDO:0700272.
Familial cancer of breast. Also called: BREAST CANCER, FAMILIAL; hereditary breast carcinoma; Hereditary breast cancer. Identifiers: Orphanet 227535, MedGen C0346153, MONDO:0016419, OMIM 114480. Disease mechanism: loss of function.

Allele frequency attached by ClinVar (database versions not stated): gnomAD exomes below 0.00001; gnomAD 0.00001; TOPMed 0.00001.
gnomAD v4.1: 5 of 1,417,536 alleles (0.00035%); highest among the groups gnomAD compares: Non-Finnish European, 0.00048%; no homozygotes.

Submissions (2):

ClinGen Hereditary Breast, Ovarian and Pancreatic Cancer Variant Curation Expert Panel, ClinGen
Classification: Likely benign for PALB2-related cancer predisposition. Last evaluated: 2023-06-15. Review status: reviewed by expert panel. Criteria: ClinGen HBOP VCEP ACMG Specifications PALB2 V1.0.0. Collection method: curation. Allele origin: germline. Inheritance: Autosomal dominant inheritance.
Comment: The c.212-33A>C variant in PALB2 is an intronic variant. BP7 applies because the threshold for the application of BP7 to deep intronic acceptor site variants is beyond position -21. The computational splicing predictor SpliceAI gives a score of 0.0 for acceptor loss suggesting that the variant has no impact on splicing. The highest population minor allele frequency in gnomAD v2.1.1 is 0.00006485 in the non-Finnish European population. (PM2_Supporting, BS1, and BA1 are not met). In summary, this variant meets the criteria to be classified as likely benign for autosomal dominant hereditary breast and pancreatic cancer and autosomal recessive FANCN based on the ACMG/AMP criteria applied, as specified by the HBOP VCEP. (BP4, BP7)

Leiden Open Variation Database
Classification: Benign for Familial cancer of breast. Last evaluated: 2019-05-13. Review status: no assertion criteria provided. Collection method: curation. Allele origin: germline. Affected: yes. Not counted in ClinVar's aggregate classification.
Comment: Curators: Marc Tischkowitz, Arleen D. Auerbach. Submitter to LOVD: Marc Tischkowitz.

Literature cited by the submitters: PubMed 22241545 (cited by Leiden Open Variation Database).